The following is an entry in ClinVar:

ClinVar aggregate classification (germline): Likely benign. Review status: criteria provided, multiple submitters, no conflicts (2 of 4 stars). 3 submissions from 3 submitters: Likely benign (2). 1 of the submissions does not count toward it. Last evaluated 2025-07-08.

Conditions:
Idiopathic generalized epilepsy. Also called: Generalised epilepsy; EIG. Identifiers: MedGen C0270850, MONDO:0005579, OMIM 600669.
Hyperaldosteronism, familial, type IV (HALD4). Also called: FH IV; ALDOSTERONISM, PRIMARY, AND HYPERTENSION. Identifiers: Orphanet 642671, MedGen C4310756, MONDO:0014875, OMIM 617027.
Inborn genetic diseases. Identifiers: MedGen C0950123, MeSH D030342.
CACNA1H-related disorder.

Allele frequency attached by ClinVar (database versions not stated): gnomAD 0.00003 and 0.00005; TOPMed 0.00008; gnomAD exomes 0.00012 and 0.00006; ExAC 0.00015; 1000 Genomes Project 30x 0.00016; 1000 Genomes Project 0.00020.
gnomAD v4.1: 94 of 1,601,968 alleles (0.0059%); highest among the groups gnomAD compares: South Asian, 0.044%; 1 homozygote.

Submissions (3):

Labcorp Genetics (formerly Invitae), Labcorp
Classification: Likely benign for Idiopathic generalized epilepsy; Hyperaldosteronism, familial, type IV. Last evaluated: 2025-07-08. Review status: criteria provided, single submitter. Criteria: Invitae Variant Classification Sherloc (09022015). Collection method: clinical testing. Allele origin: germline.

Ambry Genetics
Classification: Likely benign for Inborn genetic diseases. Last evaluated: 2019-07-14. Review status: criteria provided, single submitter. Criteria: Ambry Variant Classification Scheme 2023. Collection method: clinical testing. Allele origin: germline.

PreventionGenetics, part of Exact Sciences
Classification: Likely benign for CACNA1H-related condition. Last evaluated: 2021-02-02. Review status: no assertion criteria provided. Collection method: clinical testing. Allele origin: germline. Not counted in ClinVar's aggregate classification.
Comment: This variant is classified as likely benign based on ACMG/AMP sequence variant interpretation guidelines (Richards et al. 2015 PMID: 25741868, with internal and published modifications).

NM_021098.3(CACNA1H):c.3087G>A (p.Thr1029=)

Gene: CACNA1H (calcium voltage-gated channel subunit alpha1 H; plus strand). Cytogenetic location: 16p13.3.
Variant type: single nucleotide variant.
Coding change: c.3087G>A on transcript NM_021098.3 (MANE Select); coding-DNA position 3087, G replaced by A.
Protein change: p.Thr1029=; no amino-acid change (threonine 1029 retained).
Molecular consequence: synonymous variant.
Genome position (GRCh38, 1-based): chr16:1,207,793, G>A. VCF-style: chr16-1207793-G-A. GRCh37 (hg19) VCF-style: chr16-1257793-G-A.
Other names: c.3087G>A, p.Thr1029= (NM_001005407.2).
Identifiers: ClinVar variation 1156875 (VCV001156875.13), dbSNP rs544225254, ClinGen allele CA7800605.
Genomic context (GRCh38, chr16:1,207,793, plus strand): 5'-GGCCCCTCATGCCTGCCTTGTGCTTTGTTGGGTTTAGGGCGATGCCAACAGATCCGACAC[G>A]GACGAGGACAAGACGTCGGTCCACTTCGAGGAGGACTTCCACAAGCTCAGAGAACTCCAG-3'
Protein context (NP_066921.2, residues 1019-1039): QAEGDANRSD[Thr1029=]DEDKTSVHFE